The following is an entry in ClinVar:

ClinVar aggregate classification (germline): Uncertain significance (1 of 4 stars; one submission).

Conditions:
Danon disease. Also called: ANTOPOL DISEASE; GSD IIb; LYSOSOMAL GLYCOGEN STORAGE DISEASE WITHOUT ACID MALTASE DEFICIENCY; Glycogen Storage Disease Type IIb; PSEUDOGLYCOGENOSIS II. Identifiers: Orphanet 34587, MedGen C0878677, MONDO:0010281, OMIM 300257.

Submission:

Labcorp Genetics (formerly Invitae), Labcorp
Classification: Uncertain significance for Danon disease. Last evaluated: 2023-05-01. Review status: criteria provided, single submitter. Criteria: Invitae Variant Classification Sherloc (09022015). Collection method: clinical testing. Allele origin: germline.
Comment: In summary, the available evidence is currently insufficient to determine the role of this variant in disease. Therefore, it has been classified as a Variant of Uncertain Significance. Advanced modeling of protein sequence and biophysical properties (such as structural, functional, and spatial information, amino acid conservation, physicochemical variation, residue mobility, and thermodynamic stability) performed at Invitae indicates that this missense variant is expected to disrupt LAMP2 protein function. This variant has not been reported in the literature in individuals affected with LAMP2-related conditions. This variant is not present in population databases (gnomAD no frequency). This sequence change replaces serine, which is neutral and polar, with glycine, which is neutral and non-polar, at codon 155 of the LAMP2 protein (p.Ser155Gly).

NM_002294.3(LAMP2):c.463A>G (p.Ser155Gly)

Gene: LAMP2 (lysosome associated membrane protein 2; minus strand). Cytogenetic location: Xq24.
Variant type: single nucleotide variant.
Coding change: c.463A>G on transcript NM_002294.3 (MANE Select); coding-DNA position 463, A replaced by G.
Protein change: p.Ser155Gly; replaces serine 155 with glycine.
Molecular consequence: missense variant.
Genome position (GRCh38, 1-based): chrX:120,449,063, T>C on the plus strand (A>G on the coding strand, the complement: LAMP2 is on the minus strand). VCF-style: chrX-120449063-T-C. GRCh37 (hg19) VCF-style: chrX-119582918-T-C.
Other names: c.463A>G, p.Ser155Gly (NM_001122606.1, NM_013995.2); short protein forms S155G.
Identifiers: ClinVar variation 2803073 (VCV002803073.3), dbSNP rs2520888525, ClinGen allele CA414402173.
Genomic context (GRCh38, chrX:120,449,063, plus strand): 5'-CTTGTACAAGAACATCCCAGTAGTGTTGGACAACATCATTCTTTTCCAAAGTTGATAAAC[T>C]ATTGCATCTAAAAAGGTCATTCAATGGAATTCTGATGGCCAAAAGTTCATCAACAGTAAG-3'
Protein context (NP_002285.1, residues 145-165): IPLNDLFRCN[Ser155Gly]LSTLEKNDVV